The following is an entry in ClinVar:

ClinVar aggregate classification (germline): Likely benign. Review status: criteria provided, multiple submitters, no conflicts (2 of 4 stars). 2 submissions from 2 submitters: Likely benign (2). Last evaluated 2025-03-07.

Conditions:
USH2A-related disorder. Also called: USH2A-related condition; USH2A-related disorders. Identifiers: MedGen CN239332.

Allele frequency attached by ClinVar (database versions not stated): TOPMed below 0.00001; gnomAD exomes 0.00001 and 0.00004; ExAC 0.00005.
gnomAD v4.1: 7 of 1,613,534 alleles (0.00043%); highest among the groups gnomAD compares: Admixed American, 0.012%; no homozygotes.

Submissions (2):

PreventionGenetics, part of Exact Sciences
Classification: Likely benign for USH2A-related condition. Last evaluated: 2025-03-07. Review status: criteria provided, single submitter. Criteria: ACMG Guidelines, 2015. Collection method: clinical testing. Allele origin: germline.
Comment: This variant is classified as likely benign based on ACMG/AMP sequence variant interpretation guidelines (Richards et al. 2015 PMID: 25741868, with internal and published modifications).

Labcorp Genetics (formerly Invitae), Labcorp
Classification: Likely benign. Last evaluated: 2025-02-17. Review status: criteria provided, single submitter. Criteria: Invitae Variant Classification Sherloc (09022015). Collection method: clinical testing. Allele origin: germline.

NM_206933.4(USH2A):c.9366T>C (p.Thr3122=)

Gene: USH2A (usherin; minus strand). Cytogenetic location: 1q41.
Variant type: single nucleotide variant.
Coding change: c.9366T>C on transcript NM_206933.4 (MANE Select); coding-DNA position 9366, T replaced by C.
Protein change: p.Thr3122=; no amino-acid change (threonine 3122 retained).
Molecular consequence: synonymous variant.
Genome position (GRCh38, 1-based): chr1:215,837,996, A>G on the plus strand (T>C on the coding strand, the complement: USH2A is on the minus strand). VCF-style: chr1-215837996-A-G. GRCh37 (hg19) VCF-style: chr1-216011338-A-G.
Identifiers: ClinVar variation 763314 (VCV000763314.11), dbSNP rs777448349, ClinGen allele CA1394342.
Genomic context (GRCh38, chr1:215,837,996, plus strand): 5'-TTTTCATTTCTTCTGATCAGAGTTCCTTAGATTTAACTGACACAAAATTTTGTACCTTGA[A>G]GTGATGCCACGAATTGTGGGTGTTGGTATATCACTTGGAGTGTCTTCCACAGTGGTAATT-3'
Protein context (NP_996816.3, residues 3112-3132): DIPTPTIRGI[Thr3122=]SRSLQIDWVS